The following is an entry in ClinVar:

NM_182643.3(DLC1):c.1163G>A (p.Arg388Gln)

Gene: DLC1 (DLC1 Rho GTPase activating protein; minus strand). Cytogenetic location: 8p22.
Variant type: single nucleotide variant.
Coding change: c.1163G>A on transcript NM_182643.3 (MANE Select); coding-DNA position 1163, G replaced by A.
Protein change: p.Arg388Gln; replaces arginine 388 with glutamine.
Molecular consequence: missense variant. On other transcripts: 5 prime UTR variant (1).
Genome position (GRCh38, 1-based): chr8:13,401,480, C>T on the plus strand (G>A on the coding strand, the complement: DLC1 is on the minus strand). VCF-style: chr8-13401480-C-T. GRCh37 (hg19) VCF-style: chr8-13258989-C-T.
Other names: c.1163G>A, p.Arg388Gln (NM_001348081.2, NM_001413124.1, NM_001413125.1 and 1 more transcripts); c.-289G>A (NM_001348082.2); short protein forms R388Q.
Identifiers: ClinVar variation 2876642 (VCV002876642.3), dbSNP rs150701452, ClinGen allele CA4639262.

ClinVar aggregate classification (germline): Uncertain significance (1 of 4 stars; one submission).

Allele frequency attached by ClinVar (database versions not stated): ExAC 0.00004; TOPMed 0.00004; gnomAD exomes 0.00005; gnomAD 0.00006; ESP Exome Variant Server 0.00008.
gnomAD v4.1: 83 of 1,612,070 alleles (0.0051%); highest among the groups gnomAD compares: South Asian, 0.027%; no homozygotes.

Submission:

Labcorp Genetics (formerly Invitae), Labcorp
Classification: Uncertain significance. Last evaluated: 2023-12-17. Review status: criteria provided, single submitter. Criteria: Invitae Variant Classification Sherloc (09022015). Collection method: clinical testing. Allele origin: germline.
Comment: This sequence change replaces arginine, which is basic and polar, with glutamine, which is neutral and polar, at codon 388 of the DLC1 protein (p.Arg388Gln). This variant is present in population databases (rs150701452, gnomAD 0.02%). This variant has not been reported in the literature in individuals affected with DLC1-related conditions. An algorithm developed to predict the effect of missense changes on protein structure and function (PolyPhen-2) suggests that this variant is likely to be tolerated. In summary, the available evidence is currently insufficient to determine the role of this variant in disease. Therefore, it has been classified as a Variant of Uncertain Significance.